The following is an entry in ClinVar:

ClinVar aggregate classification (germline): Uncertain significance (1 of 4 stars; one submission).

Conditions:
Hereditary cancer-predisposing syndrome. Also called: Neoplastic Syndromes, Hereditary; Hereditary Cancer Syndrome; Hereditary neoplastic syndrome; Tumor predisposition. Identifiers: Orphanet 140162, MedGen C0027672, MeSH D009386, MONDO:0015356.

Submission:

Ambry Genetics
Classification: Uncertain significance for Hereditary cancer-predisposing syndrome. Last evaluated: 2023-04-07. Review status: criteria provided, single submitter. Criteria: Ambry Variant Classification Scheme 2023. Collection method: clinical testing. Allele origin: germline.
Comment: The p.Q417P variant (also known as c.1250A>C), located in coding exon 11 of the TSC2 gene, results from an A to C substitution at nucleotide position 1250. The glutamine at codon 417 is replaced by proline, an amino acid with similar properties. This amino acid position is conserved. In addition, this alteration is predicted to be deleterious by in silico analysis. Since supporting evidence is limited at this time, the clinical significance of this alteration remains unclear.

NM_000548.5(TSC2):c.1250A>C (p.Gln417Pro)

Gene: TSC2 (TSC complex subunit 2; plus strand). Cytogenetic location: 16p13.3.
Variant type: single nucleotide variant.
Coding change: c.1250A>C on transcript NM_000548.5 (MANE Select); coding-DNA position 1250, A replaced by C.
Protein change: p.Gln417Pro; replaces glutamine 417 with proline.
Molecular consequence: missense variant. On other transcripts: 5 prime UTR variant (10), non-coding transcript variant (5).
Genome position (GRCh38, 1-based): chr16:2,062,001, A>C. VCF-style: chr16-2062001-A-C. GRCh37 (hg19) VCF-style: chr16-2112002-A-C.
Other names: c.1250A>C, p.Gln417Pro (NM_001077183.3, NM_001114382.3, NM_001363528.2 and 6 more transcripts); c.1139A>C, p.Gln380Pro (NM_001318827.2, NM_001406670.1, NM_001406678.1); c.1103A>C, p.Gln368Pro (NM_001318829.2, NM_001406675.1, NM_001406676.1 and 1 more transcripts); c.650A>C, p.Gln217Pro (NM_001318831.2, NM_001406680.1, NM_001406682.1 and 6 more transcripts); c.1283A>C, p.Gln428Pro (NM_001318832.2); c.1340A>C, p.Gln447Pro (NM_001406667.1, NM_001406668.1); c.1238A>C, p.Gln413Pro (NM_001406671.1, NM_001406673.1); c.1193A>C, p.Gln398Pro (NM_001406677.1); and 4 more; short protein forms Q380P, Q263P, Q398P, Q413P, Q217P, Q368P, Q417P, Q447P.
Identifiers: ClinVar variation 2564635 (VCV002564635.2), dbSNP rs2548538774, ClinGen allele CA394321481.
Genomic context (GRCh38, chr16:2,062,001, plus strand): 5'-AGAACGAGTTCCACGGGTCTCAGGAGAGATACTTTGAACTGGTGGAGAGATGTGCGGACC[A>C]GAGGCCTGTGAGACCCCCTCCTGGGTGGGGCCTTTGGGCTTTGGCTGGTGGGGAGGGGCC-3'
Protein context (NP_000539.2, residues 407-427): YFELVERCAD[Gln417Pro]RPESSLLNLI